The following is an entry in ClinVar:

ClinVar aggregate classification (germline): Benign/Likely benign. Review status: criteria provided, multiple submitters, no conflicts (2 of 4 stars). 3 submissions from 3 submitters: Benign (1); Likely benign (2). Last evaluated 2026-07-10.

Conditions:
HDAC8-related disorder. Also called: HDAC8-related condition.
Inborn genetic diseases. Identifiers: MedGen C0950123, MeSH D030342.
Cornelia de Lange syndrome 5 (CDLS5). Also called: HDAC8-Related Cornelia de Lange Syndrome. Identifiers: Orphanet 199, MedGen C3550903, MONDO:0010471, OMIM 300882.

Allele frequency attached by ClinVar (database versions not stated): ESP Exome Variant Server 0.00009; gnomAD 0.00014 and 0.00015; TOPMed 0.00023.
gnomAD v4.1: 57 of 1,206,956 alleles (0.0047%); highest among the groups gnomAD compares: African/African-American, 0.075%; no homozygotes.

Submissions (3):

PreventionGenetics, part of Exact Sciences
Classification: Likely benign for HDAC8-related condition. Last evaluated: 2026-07-10. Review status: criteria provided, single submitter. Criteria: ACMG Guidelines, 2015. Collection method: clinical testing. Allele origin: germline.
Comment: This variant is classified as likely benign based on ACMG/AMP sequence variant interpretation guidelines (Richards et al. 2015 PMID: 25741868, with internal and published modifications).

Labcorp Genetics (formerly Invitae), Labcorp
Classification: Benign for Cornelia de Lange syndrome 5. Last evaluated: 2025-11-25. Review status: criteria provided, single submitter. Criteria: Invitae Variant Classification Sherloc (09022015). Collection method: clinical testing. Allele origin: germline.

Ambry Genetics
Classification: Likely benign for Inborn genetic diseases. Last evaluated: 2022-02-04. Review status: criteria provided, single submitter. Criteria: Ambry Variant Classification Scheme 2023. Collection method: clinical testing. Allele origin: germline.

NM_018486.3(HDAC8):c.491G>A (p.Arg164Gln)

Gene: HDAC8 (histone deacetylase 8; minus strand). Cytogenetic location: Xq13.1.
Variant type: single nucleotide variant.
Coding change: c.491G>A on transcript NM_018486.3 (MANE Select); coding-DNA position 491, G replaced by A.
Protein change: p.Arg164Gln; replaces arginine 164 with glutamine.
Molecular consequence: missense variant. On other transcripts: non-coding transcript variant (1).
Genome position (GRCh38, 1-based): chrX:72,495,215, C>T on the plus strand (G>A on the coding strand, the complement: HDAC8 is on the minus strand). VCF-style: chrX-72495215-C-T. GRCh37 (hg19) VCF-style: chrX-71715065-C-T.
Other names: c.218G>A, p.Arg73Gln (NM_001166418.2, NM_001166448.2); c.491G>A, p.Arg164Gln (NM_001166419.2); short protein forms R164Q, R73Q.
Identifiers: ClinVar variation 588294 (VCV000588294.14), dbSNP rs148688742, ClinGen allele CA10450255.
Genomic context (GRCh38, chrX:72,495,215, plus strand): 5'-CCATCTCCATGGTGCAGATCCAAATCCACGTAGAGAATACGCTCAAATTTCCGTCGCAAT[C>T]GTAATATTCCCAGGACAGCATCATTGAGATAACAAAAACCAGATGCTTCATCTCTGTAAG-3'
Protein context (NP_060956.1, residues 154-174): YLNDAVLGIL[Arg164Gln]LRRKFERILY